The following is an entry in ClinVar:

ClinVar aggregate classification (germline): Uncertain significance (1 of 4 stars; one submission).

Conditions:
Hereditary cancer-predisposing syndrome. Also called: Neoplastic Syndromes, Hereditary; Tumor predisposition; Hereditary Cancer Syndrome; Hereditary neoplastic syndrome. Identifiers: Orphanet 140162, MedGen C0027672, MeSH D009386, MONDO:0015356.

Submission:

Ambry Genetics
Classification: Uncertain significance for Hereditary cancer-predisposing syndrome. Last evaluated: 2024-09-06. Review status: criteria provided, single submitter. Criteria: Ambry Variant Classification Scheme 2023. Collection method: clinical testing. Allele origin: germline.
Comment: The p.W304S variant (also known as c.911G>C), located in coding exon 7 of the POLD1 gene, results from a G to C substitution at nucleotide position 911. The tryptophan at codon 304 is replaced by serine, an amino acid with highly dissimilar properties. This amino acid position is conserved. In addition, the in silico prediction for this alteration is inconclusive. Based on the available evidence, the clinical significance of this variant remains unclear.

NM_002691.4(POLD1):c.911G>C (p.Trp304Ser)

Gene: POLD1 (DNA polymerase delta 1, catalytic subunit; plus strand). Cytogenetic location: 19q13.33.
Variant type: single nucleotide variant.
Coding change: c.911G>C on transcript NM_002691.4 (MANE Select); coding-DNA position 911, G replaced by C.
Protein change: p.Trp304Ser; replaces tryptophan 304 with serine.
Molecular consequence: missense variant. On other transcripts: non-coding transcript variant (1).
Genome position (GRCh38, 1-based): chr19:50,402,682, G>C. VCF-style: chr19-50402682-G-C. GRCh37 (hg19) VCF-style: chr19-50905939-G-C.
Other names: c.911G>C, p.Trp304Ser (NM_001256849.1, NM_001308632.1); short protein forms W304S.
Identifiers: ClinVar variation 3421971 (VCV003421971.1).
Genomic context (GRCh38, chr19:50,402,682, plus strand): 5'-GCCAGCTGGAGGCGGACGTGCTGTGGTCTGACGTGGTCAGTCACCCACCGGAAGGGCCAT[G>C]GCAGCGCATTGCGCCCTTGCGCGTGCTCAGCTTCGATATCGAGTGCGCCGGCCGCAAAGG-3'
Protein context (NP_002682.2, residues 294-314): DVVSHPPEGP[Trp304Ser]QRIAPLRVLS